The following is an entry in ClinVar:

NM_000516.7(GNAS):c.18C>T (p.Asn6=)

Gene: GNAS (GNAS complex locus; plus strand). Cytogenetic location: 20q13.32.
Variant type: single nucleotide variant.
Coding change: c.18C>T on transcript NM_000516.7 (MANE Select); coding-DNA position 18, C replaced by T.
Protein change: p.Asn6=; no amino-acid change (asparagine 6 retained).
Molecular consequence: synonymous variant. On other transcripts: intron variant (6).
Genome position (GRCh38, 1-based): chr20:58,891,744, C>T. VCF-style: chr20-58891744-C-T. GRCh37 (hg19) VCF-style: chr20-57466799-C-T.
Other names: c.18C>T, p.Asn6= (NM_001077488.5, NM_001077489.4, NM_001309842.2 and 1 more transcripts); c.*43-3868C>T (NM_016592.5); c.-38-3868C>T (NM_001309861.2); c.*1-3868C>T (NM_001077490.3); c.2069-3868C>T (NM_080425.4); c.*159-3868C>T (NM_001309883.1); c.-39+2391C>T (NM_001309840.2).
Identifiers: ClinVar variation 742376 (VCV000742376.26), dbSNP rs543390941, ClinGen allele CA9926869.

ClinVar aggregate classification (germline): Benign/Likely benign. Review status: criteria provided, multiple submitters, no conflicts (2 of 4 stars). 4 submissions from 4 submitters: Benign (1); Likely benign (2). 1 of the submissions does not count toward it. Last evaluated 2026-01-01.

Conditions:
GNAS-related disorder. Identifiers: MedGen CN380105.

Allele frequency attached by ClinVar (database versions not stated): gnomAD 0.00010; TOPMed 0.00012; 1000 Genomes Project 30x 0.00016; gnomAD exomes 0.00016; ExAC 0.00018; 1000 Genomes Project 0.00020.
gnomAD v4.1: 112 of 1,228,688 alleles (0.0091%); highest among the groups gnomAD compares: South Asian, 0.042%; no homozygotes.

Submissions (4):

CeGaT Center for Human Genetics Tuebingen
Classification: Likely benign. Last evaluated: 2026-01-01. Review status: criteria provided, single submitter. Criteria: CeGaT Center For Human Genetics Tuebingen Variant Classification Criteria Version 2. Collection method: clinical testing. Allele origin: germline. Affected: yes. Observed: 3 variant alleles.
Comment: GNAS: BP4, BP7

Labcorp Genetics (formerly Invitae), Labcorp
Classification: Benign. Last evaluated: 2025-09-15. Review status: criteria provided, single submitter. Criteria: Invitae Variant Classification Sherloc (09022015). Collection method: clinical testing. Allele origin: germline.

Blueprint Genetics
Classification: Likely benign. Last evaluated: 2024-06-10. Review status: criteria provided, single submitter. Criteria: ACMG Guidelines, 2015. Collection method: clinical testing. Allele origin: germline.

PreventionGenetics, part of Exact Sciences
Classification: Likely benign for GNAS-related condition. Last evaluated: 2020-11-03. Review status: no assertion criteria provided. Collection method: clinical testing. Allele origin: germline. Not counted in ClinVar's aggregate classification.
Comment: This variant is classified as likely benign based on ACMG/AMP sequence variant interpretation guidelines (Richards et al. 2015 PMID: 25741868, with internal and published modifications).